The following is an entry in ClinVar:

ClinVar aggregate classification (germline): Pathogenic/Likely pathogenic. Review status: criteria provided, multiple submitters, no conflicts (2 of 4 stars). 4 submissions from 4 submitters: Pathogenic (2); Likely pathogenic (2). Last evaluated 2026-06-26.

Conditions:
Methylcrotonyl-CoA carboxylase deficiency. Also called: 3 Methylcrotonylglycinuria; Deficiency of methylcrotonoyl-CoA carboxylase; 3-MCC Deficiency. Identifiers: Orphanet 6, MedGen C4551505, MONDO:0018950.
3-methylcrotonyl-CoA carboxylase 2 deficiency. Also called: 3 alpha methylcrotonyl-CoA carboxylase 2 deficiency; 3 alpha methylcrotonylglycinuria 2; MCC 2 deficiency; Methylcrotonylglycinuria type 2; METHYLCROTONYLGLYCINURIA, TYPE II. Identifiers: Orphanet 6, MedGen C1859499, MONDO:0008862, OMIM 210210.

Allele frequency attached by ClinVar (database versions not stated): gnomAD exomes below 0.00001.

Submissions (4):

Women's Health and Genetics/Laboratory Corporation of America, LabCorp
Classification: Pathogenic for Methylcrotonyl-CoA carboxylase deficiency. Last evaluated: 2026-06-26. Review status: criteria provided, single submitter. Criteria: LabCorp Variant Classification Summary - May 2015. Collection method: clinical testing. Allele origin: germline.
Comment: Variant summary: MCCC2 c.581delC (p.Thr194AsnfsX79) results in a premature termination codon, predicted to cause a truncation of the encoded protein or absence of the protein due to nonsense mediated decay, which are commonly known mechanisms for disease. Loss-of-function variants in this gene are known to be pathogenic. The variant allele was found at a frequency of 4e-06 in 251456 control chromosomes. To our knowledge, no occurrence of c.581delC in individuals affected with MCCC2-related conditions and no experimental evidence demonstrating its impact on protein function have been reported. ClinVar contains an entry for this variant (Variation ID: 649288). Based on the evidence outlined above, the variant was classified as pathogenic.

Natera, Inc.
Classification: Likely pathogenic for 3-methylcrotonyl-CoA carboxylase 2 deficiency. Last evaluated: 2025-10-20. Review status: criteria provided, single submitter. Criteria: Natera Variant Classification Schema (03/2026). Collection method: clinical testing. Allele origin: germline.
Comment: The c.581delC variant in MCCC2 is a frameshift variant predicted to shift the reading frame beginning at codon 194 and leads to a stop codon 79 codons downstream. This variant is expected to result in nonsense mediated decay, truncation, or a dysfunctional protein product. This variant is rare in the general population with a frequency below the threshold expected for the associated phenotype(s). Given the available evidence, this variant is classified as Likely Pathogenic.

Baylor Genetics
Classification: Likely pathogenic for 3-methylcrotonyl-CoA carboxylase 2 deficiency. Last evaluated: 2023-10-24. Review status: criteria provided, single submitter. Criteria: ACMG Guidelines, 2015. Collection method: clinical testing. Allele origin: unknown.

Labcorp Genetics (formerly Invitae), Labcorp
Classification: Pathogenic for 3-methylcrotonyl-CoA carboxylase 2 deficiency. Last evaluated: 2023-03-03. Review status: criteria provided, single submitter. Criteria: Invitae Variant Classification Sherloc (09022015). Collection method: clinical testing. Allele origin: germline.
Comment: This variant has not been reported in the literature in individuals affected with MCCC2-related conditions. This sequence change creates a premature translational stop signal (p.Thr194Asnfs*79) in the MCCC2 gene. It is expected to result in an absent or disrupted protein product. Loss-of-function variants in MCCC2 are known to be pathogenic (PMID: 11181649, 22642865). This variant is present in population databases (no rsID available, gnomAD 0.003%). ClinVar contains an entry for this variant (Variation ID: 649288). For these reasons, this variant has been classified as Pathogenic.

Literature cited by the submitters: PubMed 11181649 (cited by Labcorp Genetics (formerly Invitae), Labcorp); PubMed 22642865 (cited by Labcorp Genetics (formerly Invitae), Labcorp).

NM_022132.5(MCCC2):c.581del (p.Thr194fs)

Gene: MCCC2 (methylcrotonyl-CoA carboxylase subunit 2; plus strand). Cytogenetic location: 5q13.2.
Variant type: Deletion.
Coding change: c.581del on transcript NM_022132.5 (MANE Select); coding-DNA position 581, one base deleted (C; older notation c.581delC).
Protein change: p.Thr194fs; shifts the reading frame from threonine 194.
Molecular consequence: frameshift variant.
Genome position (GRCh38, 1-based): chr5:71,604,425, C deleted. VCF-style (leftmost placement, unchanged base first): chr5-71604424-AC-A. GRCh37 (hg19) VCF-style: chr5-70900251-AC-A.
Other names: c.581del, p.Thr194fs (NM_001363147.1); c.581delC (NM_022132.4, NM_022132.5); short protein forms T194fs.
Identifiers: ClinVar variation 649288 (VCV000649288.9), dbSNP rs1190325113, ClinGen allele CA560314632.